The following is an entry in ClinVar:

ClinVar aggregate classification (germline): Uncertain significance. Review status: criteria provided, single submitter (1 of 4 stars). 2 submissions from 2 submitters: Uncertain significance (1). 1 of the submissions does not count toward it. Last evaluated 2025-08-23.

Conditions:
HLTF-related disorder. Also called: HLTF-related condition.

Allele frequency attached by ClinVar (database versions not stated): gnomAD exomes 0.00003; gnomAD 0.00014; TOPMed 0.00021; ExAC 0.00002.
gnomAD v4.1: 75 of 1,607,528 alleles (0.0047%); highest among the groups gnomAD compares: Admixed American, 0.044%; no homozygotes.

Submissions (2):

Ambry Genetics
Classification: Uncertain significance. Last evaluated: 2025-08-23. Review status: criteria provided, single submitter. Criteria: Ambry Variant Classification Scheme 2023. Collection method: clinical testing. Allele origin: germline.

PreventionGenetics, part of Exact Sciences
Classification: Uncertain significance for HLTF-related condition. Last evaluated: 2023-10-20. Review status: no assertion criteria provided. Collection method: clinical testing. Allele origin: germline. Not counted in ClinVar's aggregate classification.
Comment: The HLTF c.2059G>A variant is predicted to result in the amino acid substitution p.Ala687Thr. To our knowledge, this variant has not been reported in the literature. This variant is reported in 0.024% of alleles in individuals of Latino descent in gnomAD. At this time, the clinical significance of this variant is uncertain due to the absence of conclusive functional and genetic evidence.

NM_003071.4(HLTF):c.2059G>A (p.Ala687Thr)

Gene: HLTF (helicase like transcription factor; minus strand). Cytogenetic location: 3q24.
Variant type: single nucleotide variant.
Coding change: c.2059G>A on transcript NM_003071.4 (MANE Select); coding-DNA position 2059, G replaced by A.
Protein change: p.Ala687Thr; replaces alanine 687 with threonine.
Molecular consequence: missense variant.
Genome position (GRCh38, 1-based): chr3:149,046,093, C>T on the plus strand (G>A on the coding strand, the complement: HLTF is on the minus strand). VCF-style: chr3-149046093-C-T. GRCh37 (hg19) VCF-style: chr3-148763880-C-T.
Other names: c.2059G>A (NM_003071.3); c.2056G>A, p.Ala686Thr (NM_001318934.2); c.2059G>A, p.Ala687Thr (NM_001318935.2, NM_139048.3); short protein forms A686T, A687T.
Identifiers: ClinVar variation 3036939 (VCV003036939.3), dbSNP rs770651808, ClinGen allele CA2659026.
Genomic context (GRCh38, chr3:149,046,093, plus strand): 5'-CAAAGTAAACAAAAACTAATTTTTAACATGGTTTTCTTTCTCCATACCTTCCAATAGTGG[C>T]TCTGCCTTCATTTTTCACAGACTGATAAATCTTTCTCTCTTCATCTGAAAGTGTAATGTG-3'
Protein context (NP_003062.2, residues 677-697): IYQSVKNEGR[Ala687Thr]TIGRYFNEGT